The following is an entry in ClinVar:

NM_145020.5(CFAP53):c.1101C>A (p.Asp367Glu)

Gene: CFAP53 (cilia and flagella associated protein 53; minus strand). Cytogenetic location: 18q21.1.
Variant type: single nucleotide variant.
Coding change: c.1101C>A on transcript NM_145020.5 (MANE Select); coding-DNA position 1101, C replaced by A.
Protein change: p.Asp367Glu; replaces aspartic acid 367 with glutamic acid.
Molecular consequence: missense variant.
Genome position (GRCh38, 1-based): chr18:50,243,012, G>T on the plus strand (C>A on the coding strand, the complement: CFAP53 is on the minus strand). VCF-style: chr18-50243012-G-T. GRCh37 (hg19) VCF-style: chr18-47769382-G-T.
Other names: short protein forms D367E.
Identifiers: ClinVar variation 969306 (VCV000969306.14), dbSNP rs369539291, ClinGen allele CA8962203.

ClinVar aggregate classification (germline): Conflicting classifications of pathogenicity. Review status: criteria provided, conflicting classifications (1 of 4 stars). 3 submissions from 3 submitters: Uncertain significance (2); Likely benign (1). Last evaluated 2023-05-05.

Conditions:
Inborn genetic diseases. Identifiers: MedGen C0950123, MeSH D030342.
Heterotaxy, visceral, 6, autosomal (HTX6). Also called: Heterotaxy, visceral, 6, autosomal recessive. Identifiers: Orphanet 450, MedGen C3553676, MONDO:0013887, OMIM 614779.

Allele frequency attached by ClinVar (database versions not stated): gnomAD exomes 0.00004 and 0.00007; ExAC 0.00010; gnomAD 0.00034; TOPMed 0.00034; ESP Exome Variant Server 0.00040; 1000 Genomes Project 30x 0.00047; 1000 Genomes Project 0.00060.
gnomAD v4.1: 105 of 1,613,770 alleles (0.0065%); highest among the groups gnomAD compares: African/African-American, 0.13%; no homozygotes.

Submissions (3):

Ambry Genetics
Classification: Likely benign for Inborn genetic diseases. Last evaluated: 2023-05-05. Review status: criteria provided, single submitter. Criteria: Ambry Variant Classification Scheme 2023. Collection method: clinical testing. Allele origin: germline.

Labcorp Genetics (formerly Invitae), Labcorp
Classification: Uncertain significance for Heterotaxy, visceral, 6, autosomal. Last evaluated: 2022-08-22. Review status: criteria provided, single submitter. Criteria: Invitae Variant Classification Sherloc (09022015). Collection method: clinical testing. Allele origin: germline.
Comment: This sequence change replaces aspartic acid, which is acidic and polar, with glutamic acid, which is acidic and polar, at codon 367 of the CFAP53 protein (p.Asp367Glu). This variant is present in population databases (rs369539291, gnomAD 0.1%). This variant has not been reported in the literature in individuals affected with CFAP53-related conditions. ClinVar contains an entry for this variant (Variation ID: 969306). Algorithms developed to predict the effect of missense changes on protein structure and function output the following: SIFT: "Not Available"; PolyPhen-2: "Benign"; Align-GVGD: "Not Available". The glutamic acid amino acid residue is found in multiple mammalian species, which suggests that this missense change does not adversely affect protein function. In summary, the available evidence is currently insufficient to determine the role of this variant in disease. Therefore, it has been classified as a Variant of Uncertain Significance.

ARUP Laboratories, Molecular Genetics and Genomics, ARUP Laboratories
Classification: Uncertain significance. Last evaluated: 2020-02-14. Review status: criteria provided, single submitter. Criteria: ARUP Molecular Germline Variant Investigation Process. Collection method: clinical testing. Allele origin: germline.